The following is an entry in ClinVar:

NM_001376.5(DYNC1H1):c.506G>T (p.Gly169Val)

Gene: DYNC1H1 (dynein cytoplasmic 1 heavy chain 1; plus strand). Cytogenetic location: 14q32.31.
Variant type: single nucleotide variant.
Coding change: c.506G>T on transcript NM_001376.5 (MANE Select); coding-DNA position 506, G replaced by T.
Protein change: p.Gly169Val; replaces glycine 169 with valine.
Molecular consequence: missense variant.
Genome position (GRCh38, 1-based): chr14:101,979,480, G>T. VCF-style: chr14-101979480-G-T. GRCh37 (hg19) VCF-style: chr14-102445817-G-T.
Other names: short protein forms G169V.
Identifiers: ClinVar variation 3636110 (VCV003636110.2).

ClinVar aggregate classification (germline): Uncertain significance (1 of 4 stars; one submission).

Conditions:
Charcot-Marie-Tooth disease axonal type 2O. Also called: Charcot-Marie-Tooth disease, axonal, type 20; CHARCOT-MARIE-TOOTH NEUROPATHY, AXONAL, TYPE 2O; CHARCOT-MARIE-TOOTH DISEASE, AXONAL, AUTOSOMAL DOMINANT, TYPE 2O; Charcot-Marie-Tooth Neuropathy Type 2O. Identifiers: Orphanet 284232, MedGen C3280220, MONDO:0013644, OMIM 614228.

Submission:

Labcorp Genetics (formerly Invitae), Labcorp
Classification: Uncertain significance for Charcot-Marie-Tooth disease axonal type 2O. Last evaluated: 2024-02-16. Review status: criteria provided, single submitter. Criteria: Invitae Variant Classification Sherloc (09022015). Collection method: clinical testing. Allele origin: germline.
Comment: This sequence change replaces glycine, which is neutral and non-polar, with valine, which is neutral and non-polar, at codon 169 of the DYNC1H1 protein (p.Gly169Val). This variant is not present in population databases (gnomAD no frequency). This variant has not been reported in the literature in individuals affected with DYNC1H1-related conditions. Advanced modeling of protein sequence and biophysical properties (such as structural, functional, and spatial information, amino acid conservation, physicochemical variation, residue mobility, and thermodynamic stability) has been performed at Invitae for this missense variant, however the output from this modeling did not meet the statistical confidence thresholds required to predict the impact of this variant on DYNC1H1 protein function. In summary, the available evidence is currently insufficient to determine the role of this variant in disease. Therefore, it has been classified as a Variant of Uncertain Significance.